The following is an entry in ClinVar:

ClinVar aggregate classification (germline): Conflicting classifications of pathogenicity. Review status: criteria provided, conflicting classifications (1 of 4 stars). 4 submissions from 4 submitters: Uncertain significance (1); Likely benign (2). 1 of the submissions does not count toward it. Last evaluated 2026-01-28.

Conditions:
Inborn genetic diseases. Identifiers: MedGen C0950123, MeSH D030342.
3M syndrome 2. Also called: 3-M Syndrome, OBSL1-Related; THREE M SYNDROME 2. Identifiers: Orphanet 2616, MedGen C2752041, MONDO:0013039, OMIM 612921.
OBSL1-related disorder. Also called: OBSL1-related condition.

Allele frequency attached by ClinVar (database versions not stated): gnomAD exomes 0.00012 and 0.00032; ExAC 0.00047; gnomAD 0.00137 and 0.00145; TOPMed 0.00158; ESP Exome Variant Server 0.00177; 1000 Genomes Project 0.00180; 1000 Genomes Project 30x 0.00187.
gnomAD v4.1: 398 of 1,613,350 alleles (0.025%); highest among the groups gnomAD compares: African/African-American, 0.48%; 2 homozygotes.

Submissions (4):

Labcorp Genetics (formerly Invitae), Labcorp
Classification: Likely benign. Last evaluated: 2026-01-28. Review status: criteria provided, single submitter. Criteria: Invitae Variant Classification Sherloc (09022015). Collection method: clinical testing. Allele origin: germline.

Ambry Genetics
Classification: Uncertain significance for Inborn genetic diseases. Last evaluated: 2025-01-24. Review status: criteria provided, single submitter. Criteria: Ambry Variant Classification Scheme 2023. Collection method: clinical testing. Allele origin: germline.

Illumina Laboratory Services, Illumina
Classification: Likely benign for 3M syndrome 2. Last evaluated: 2018-01-13. Review status: criteria provided, single submitter. Criteria: ICSL Variant Classification Criteria 13 December 2019. Collection method: clinical testing. Allele origin: germline.
Comment: This variant was observed in the ICSL laboratory as part of a predisposition screen in an ostensibly healthy population. It had not been previously curated by ICSL or reported in the Human Gene Mutation Database (HGMD: prior to June 1st, 2018), and was therefore a candidate for classification through an automated scoring system. Utilizing variant allele frequency, disease prevalence and penetrance estimates, and inheritance mode, an automated score was calculated to assess if this variant is too frequent to cause the disease. Based on the score and internal cut-off values, a variant classified as likely benign is not then subjected to further curation. The score for this variant resulted in a classification of likely benign for this disease.

PreventionGenetics, part of Exact Sciences
Classification: Likely benign for OBSL1-related condition. Last evaluated: 2023-02-26. Review status: no assertion criteria provided. Collection method: clinical testing. Allele origin: germline. Not counted in ClinVar's aggregate classification.
Comment: This variant is classified as likely benign based on ACMG/AMP sequence variant interpretation guidelines (Richards et al. 2015 PMID: 25741868, with internal and published modifications).

NM_015311.3(OBSL1):c.1912G>A (p.Asp638Asn)

Gene: OBSL1 (obscurin like cytoskeletal adaptor 1; minus strand). Cytogenetic location: 2q35.
Variant type: single nucleotide variant.
Coding change: c.1912G>A on transcript NM_015311.3 (MANE Select); coding-DNA position 1912, G replaced by A.
Protein change: p.Asp638Asn; replaces aspartic acid 638 with asparagine.
Molecular consequence: missense variant.
Genome position (GRCh38, 1-based): chr2:219,567,052, C>T on the plus strand (G>A on the coding strand, the complement: OBSL1 is on the minus strand). VCF-style: chr2-219567052-C-T. GRCh37 (hg19) VCF-style: chr2-220431774-C-T.
Other names: c.1912G>A, p.Asp638Asn (NM_001173408.2, NM_001173431.2); short protein forms D638N.
Identifiers: ClinVar variation 334513 (VCV000334513.16), dbSNP rs150250100, ClinGen allele CA2131375.